The following is an entry in ClinVar:

ClinVar aggregate classification (germline): Uncertain significance (1 of 4 stars; one submission).

Conditions:
Intellectual disability. Also called: Intellectual developmental disorder; Intellectual functioning disability; intellectual disabilities. Identifiers: MedGen C3714756, MeSH D008607, MONDO:0001071, HP:0001249.

Submission:

Institute of Human Genetics, FAU Erlangen, Friedrich-Alexander-Universität Erlangen-Nürnberg
Classification: Uncertain significance for Intellectual disability. Last evaluated: 2017-08-01. Review status: criteria provided, single submitter. Criteria: ACMG Guidelines, 2015. Collection method: clinical testing. Allele origin: unknown. Inheritance: Sporadic. Affected: yes. Observed: 1 variant allele, 1 heterozygote.
Comment: Parental samples were not available for segregation analysis.

NM_001099433.2(JAKMIP1):c.1432-2A>G

Gene: JAKMIP1 (janus kinase and microtubule interacting protein 1; minus strand). Cytogenetic location: 4p16.1.
Variant type: single nucleotide variant.
Coding change: c.1432-2A>G on transcript NM_001099433.2 (MANE Select); the canonical splice acceptor site of the intron before coding-DNA position 1432, A replaced by G.
Molecular consequence: splice acceptor variant.
Genome position (GRCh38, 1-based): chr4:6,062,442, T>C on the plus strand (A>G on the coding strand, the complement: JAKMIP1 is on the minus strand). VCF-style: chr4-6062442-T-C. GRCh37 (hg19) VCF-style: chr4-6064169-T-C.
Other names: c.1432-2A>G (NM_144720.4, NM_001306133.2); c.937-2A>G (NM_001306134.2).
Identifiers: ClinVar variation 431109 (VCV000431109.2), dbSNP rs1135401781, ClinGen allele CA356169007.
Genomic context (GRCh38, chr4:6,062,442, plus strand): 5'-GCCTGGTACTCCCGGGTCAGCTGGCAGAAGCGCAGGTCAGCCTCCTCTCGGGCTGTGGCC[T>C]TCACATAATGGAGAAGAAAACAAATAATCAAGTGCAAAATTACAATAATAAATGATTTAT-3'